The following is an entry in ClinVar:

ClinVar aggregate classification (germline): Likely benign (1 of 4 stars; one submission).

Allele frequency attached by ClinVar (database versions not stated): gnomAD 0.00005; ExAC 0.00008; ESP Exome Variant Server 0.00009; 1000 Genomes Project 0.00026; 1000 Genomes Project 30x 0.00042.
gnomAD v4.1: 41 of 1,209,632 alleles (0.0034%); highest among the groups gnomAD compares: East Asian, 0.024%; no homozygotes.

Submission:

CeGaT Center for Human Genetics Tuebingen
Classification: Likely benign. Last evaluated: 2023-02-01. Review status: criteria provided, single submitter. Criteria: CeGaT Center For Human Genetics Tuebingen Variant Classification Criteria Version 2. Collection method: clinical testing. Allele origin: germline. Affected: yes. Observed: 1 variant allele.
Comment: SLC7A3: BP4, BP7, BS2

NM_032803.6(SLC7A3):c.1746C>T (p.Phe582=)

Gene: SLC7A3 (solute carrier family 7 member 3; minus strand). Cytogenetic location: Xq13.1.
Variant type: single nucleotide variant.
Coding change: c.1746C>T on transcript NM_032803.6 (MANE Select); coding-DNA position 1746, C replaced by T.
Protein change: p.Phe582=; no amino-acid change (phenylalanine 582 retained).
Molecular consequence: synonymous variant.
Genome position (GRCh38, 1-based): chrX:70,925,927, G>A on the plus strand (C>T on the coding strand, the complement: SLC7A3 is on the minus strand). VCF-style: chrX-70925927-G-A. GRCh37 (hg19) VCF-style: chrX-70145777-G-A.
Other names: c.1746C>T, p.Phe582= (NM_001048164.3).
Identifiers: ClinVar variation 2660835 (VCV002660835.24), dbSNP rs201510794, ClinGen allele CA10443020.
Genomic context (GRCh38, chrX:70,925,927, plus strand): 5'-AGACTTGCGTGAGGGTTGGTTACTCTTAATCTCTTCCAGGCTGTGCTGGATCCCATAGCC[G>A]AAGTAGATAGCAAAGCCTAGTGGGGAAAGGTAGCTGTGAGGTGGGGGTGTAAAGGCTTCA-3'
Protein context (NP_116192.4, residues 572-592): VWMLIGFAIY[Phe582=]GYGIQHSLEE